The following is an entry in ClinVar:

ClinVar aggregate classification (germline): Uncertain significance (1 of 4 stars; one submission).

Allele frequency attached by ClinVar (database versions not stated): gnomAD 0.00001; TOPMed 0.00001.
gnomAD v4.1: 2 of 1,572,292 alleles (0.00013%); highest among the groups gnomAD compares: Admixed American, 0.004%; no homozygotes.

Submission:

Labcorp Genetics (formerly Invitae), Labcorp
Classification: Uncertain significance. Last evaluated: 2022-10-27. Review status: criteria provided, single submitter. Criteria: Invitae Variant Classification Sherloc (09022015). Collection method: clinical testing. Allele origin: germline.
Comment: In summary, the available evidence is currently insufficient to determine the role of this variant in disease. Therefore, it has been classified as a Variant of Uncertain Significance. Algorithms developed to predict the effect of missense changes on protein structure and function (SIFT, PolyPhen-2, Align-GVGD) all suggest that this variant is likely to be disruptive. This variant has not been reported in the literature in individuals affected with ROBO1-related conditions. This variant is present in population databases (no rsID available, gnomAD 0.004%). This sequence change replaces proline, which is neutral and non-polar, with serine, which is neutral and polar, at codon 303 of the ROBO1 protein (p.Pro303Ser).

NM_002941.4(ROBO1):c.907C>T (p.Pro303Ser)

Gene: ROBO1 (roundabout guidance receptor 1; minus strand). Cytogenetic location: 3p12.3.
Variant type: single nucleotide variant.
Coding change: c.907C>T on transcript NM_002941.4 (MANE Select); coding-DNA position 907, C replaced by T.
Protein change: p.Pro303Ser; replaces proline 303 with serine.
Molecular consequence: missense variant.
Genome position (GRCh38, 1-based): chr3:78,717,285, G>A on the plus strand (C>T on the coding strand, the complement: ROBO1 is on the minus strand). VCF-style: chr3-78717285-G-A. GRCh37 (hg19) VCF-style: chr3-78766435-G-A.
Other names: c.790C>T, p.Pro264Ser (NM_001145844.1, NM_001145845.2, NM_133631.4); short protein forms P264S, P303S.
Identifiers: ClinVar variation 2901587 (VCV002901587.3), dbSNP rs1375295913, ClinGen allele CA353663303.